The following is an entry in ClinVar:

NM_006929.5(SKIC2):c.1704C>T (p.Pro568=)

Gene: SKIC2 (SKI2 subunit of superkiller complex; plus strand). Cytogenetic location: 6p21.33.
Variant type: single nucleotide variant.
Coding change: c.1704C>T on transcript NM_006929.5 (MANE Select); coding-DNA position 1704, C replaced by T.
Protein change: p.Pro568=; no amino-acid change (proline 568 retained).
Molecular consequence: synonymous variant.
Genome position (GRCh38, 1-based): chr6:31,963,969, C>T. VCF-style: chr6-31963969-C-T. GRCh37 (hg19) VCF-style: chr6-31931746-C-T.
Other names: c.1704C>T (NM_006929.4).
Identifiers: ClinVar variation 2062758 (VCV002062758.29), dbSNP rs770385536, ClinGen allele CA3729563.
Genomic context (GRCh38, chr6:31,963,969, plus strand): 5'-CCAGGACCGCGGAGTGTACCTGTCCCTCCTGGCCTCCCTCCGCACACGTGCCCAGTTGCC[C>T]GTGGTGGTGTTCACCTTCTCCCGGGGCCGCTGTGATGAGCAGGCCTCAGGCCTCACCTCC-3'
Protein context (NP_008860.4, residues 558-578): LASLRTRAQL[Pro568=]VVVFTFSRGR

ClinVar aggregate classification (germline): Likely benign. Review status: criteria provided, multiple submitters, no conflicts (2 of 4 stars). 3 submissions from 3 submitters: Likely benign (2). 1 of the submissions does not count toward it. Last evaluated 2025-12-20.

Conditions:
SKIC2-related disorder. Also called: SKIC2-related condition.

Allele frequency attached by ClinVar (database versions not stated): gnomAD 0.00001; TOPMed 0.00004.
gnomAD v4.1: 43 of 1,612,286 alleles (0.0027%); highest among the groups gnomAD compares: Middle Eastern, 0.033%; no homozygotes.

Submissions (3):

Labcorp Genetics (formerly Invitae), Labcorp
Classification: Likely benign. Last evaluated: 2025-12-20. Review status: criteria provided, single submitter. Criteria: Invitae Variant Classification Sherloc (09022015). Collection method: clinical testing. Allele origin: germline.

CeGaT Center for Human Genetics Tuebingen
Classification: Likely benign. Last evaluated: 2022-07-01. Review status: criteria provided, single submitter. Criteria: CeGaT Center For Human Genetics Tuebingen Variant Classification Criteria Version 2. Collection method: clinical testing. Allele origin: germline. Affected: yes. Observed: 1 variant allele.
Comment: SKIC2: BP4, BP7

PreventionGenetics, part of Exact Sciences
Classification: Likely benign for SKIC2-related condition. Last evaluated: 2023-09-11. Review status: no assertion criteria provided. Collection method: clinical testing. Allele origin: germline. Not counted in ClinVar's aggregate classification.
Comment: This variant is classified as likely benign based on ACMG/AMP sequence variant interpretation guidelines (Richards et al. 2015 PMID: 25741868, with internal and published modifications).